The following is an entry in ClinVar:

NM_000090.4(COL3A1):c.2369T>C (p.Ile790Thr)

Genes: COL3A1 (collagen type III alpha 1 chain; plus strand), LOC126806446 (P300/CBP strongly-dependent group 1 enhancer GRCh37_chr2:189866210-189867409; plus strand). Cytogenetic location: 2q32.2.
Variant type: single nucleotide variant.
Coding change: c.2369T>C on transcript NM_000090.4 (MANE Select); coding-DNA position 2369, T replaced by C.
Protein change: p.Ile790Thr; replaces isoleucine 790 with threonine.
Molecular consequence: missense variant.
Genome position (GRCh38, 1-based): chr2:189,001,567, T>C. VCF-style: chr2-189001567-T-C. GRCh37 (hg19) VCF-style: chr2-189866293-T-C.
Other names: c.2369T>C (NM_000090.3); short protein forms I790T.
Identifiers: ClinVar variation 1425252 (VCV001425252.10), dbSNP rs1179918994, ClinGen allele CA349842517.

ClinVar aggregate classification (germline): Uncertain significance. Review status: criteria provided, multiple submitters, no conflicts (2 of 4 stars). 3 submissions from 3 submitters: Uncertain significance (3). Last evaluated 2024-09-14.

Conditions:
Ehlers-Danlos syndrome, type 4 (EDSVASC). Also called: Ehlers-Danlos syndrome vascular type; Ehlers Danlos syndrome, ecchymotic type; Ehlers Danlos syndrome, arterial type; Ehlers Danlos syndrome, Sack-Barabas type; Ehlers-Danlos Syndrome Type IV. Identifiers: Orphanet 286, MedGen C0268338, MONDO:0017314, OMIM 130050.
Polymicrogyria with or without vascular-type Ehlers-Danlos syndrome. Identifiers: Orphanet 636941, MedGen C5193040, MONDO:0032688, OMIM 618343.
Familial thoracic aortic aneurysm and aortic dissection (TAAD). Also called: Thoracic aortic aneurysms and dissections. Identifiers: Orphanet 91387, MedGen C4707243, MONDO:0019625.

Allele frequency attached by ClinVar (database versions not stated): gnomAD exomes below 0.00001.
gnomAD v4.1: 1 of 1,614,110 alleles (0.000062%); highest among the groups gnomAD compares: South Asian, 0.0011%; no homozygotes.

Submissions (3):

Labcorp Genetics (formerly Invitae), Labcorp
Classification: Uncertain significance for Ehlers-Danlos syndrome, type 4. Last evaluated: 2024-09-14. Review status: criteria provided, single submitter. Criteria: Invitae Variant Classification Sherloc (09022015). Collection method: clinical testing. Allele origin: germline.
Comment: This sequence change replaces isoleucine, which is neutral and non-polar, with threonine, which is neutral and polar, at codon 790 of the COL3A1 protein (p.Ile790Thr). This variant is present in population databases (no rsID available, gnomAD 0.003%). This variant has not been reported in the literature in individuals affected with COL3A1-related conditions. ClinVar contains an entry for this variant (Variation ID: 1425252). Invitae Evidence Modeling of protein sequence and biophysical properties (such as structural, functional, and spatial information, amino acid conservation, physicochemical variation, residue mobility, and thermodynamic stability) indicates that this missense variant is not expected to disrupt COL3A1 protein function with a negative predictive value of 95%. In summary, the available evidence is currently insufficient to determine the role of this variant in disease. Therefore, it has been classified as a Variant of Uncertain Significance.

All of Us Research Program, National Institutes of Health
Classification: Uncertain significance for Ehlers-Danlos syndrome, type 4. Last evaluated: 2023-10-02. Review status: criteria provided, single submitter. Criteria: ACMG Guidelines, 2015. Collection method: clinical testing. Allele origin: germline. Inheritance: Autosomal dominant inheritance. Observed: 1 variant allele, 1 heterozygote.
Comment: This missense variant replaces isoleucine with threonine at codon 790 of the COL3A1 protein. Computational prediction suggests that this variant may not impact protein structure and function (internally defined REVEL score threshold <= 0.5, PMID: 27666373). To our knowledge, functional studies have not been reported for this variant. This variant has not been reported in individuals affected with COL3A1-related disorders in the literature. This variant has not been identified in the general population by the Genome Aggregation Database (gnomAD). The available evidence is insufficient to determine the role of this variant in disease conclusively. Therefore, this variant is classified as a Variant of Uncertain Significance.

This study involves interpretation of variants in research participants for the purpose of population health screening. Participant phenotype was not available at the time of variant classification. Additional details can be found in publication PMID: 35346344, PMCID: PMC8962531

Color Diagnostics, LLC DBA Color Health
Classification: Uncertain significance for Familial thoracic aortic aneurysm and aortic dissection. Last evaluated: 2023-09-13. Review status: criteria provided, single submitter. Criteria: ACMG Guidelines, 2015. Collection method: clinical testing. Allele origin: germline.
Comment: This missense variant replaces isoleucine with threonine at codon 790 of the COL3A1 protein. Computational prediction suggests that this variant may not impact protein structure and function (internally defined REVEL score threshold <= 0.5, PMID: 27666373). To our knowledge, functional studies have not been reported for this variant. This variant has not been reported in individuals affected with COL3A1-related disorders in the literature. This variant has not been identified in the general population by the Genome Aggregation Database (gnomAD). The available evidence is insufficient to determine the role of this variant in disease conclusively. Therefore, this variant is classified as a Variant of Uncertain Significance.